The following is an entry in ClinVar:

NM_017491.5(WDR1):c.1395+53T>G

Gene: WDR1 (WD repeat domain 1; minus strand). Cytogenetic location: 4p16.1.
Variant type: single nucleotide variant.
Coding change: c.1395+53T>G on transcript NM_017491.5 (MANE Select); 53 bases into the intron after coding-DNA position 1395, T replaced by G.
Molecular consequence: intron variant.
Genome position (GRCh38, 1-based): chr4:10,078,838, A>C on the plus strand (T>G on the coding strand, the complement: WDR1 is on the minus strand). VCF-style: chr4-10078838-A-C. GRCh37 (hg19) VCF-style: chr4-10080462-A-C.
Other names: c.975+53T>G (NM_005112.5).
Identifiers: ClinVar variation 2688169 (VCV002688169.2), dbSNP rs2241469, ClinGen allele CA11637706.

ClinVar aggregate classification (germline): Benign (1 of 4 stars; one submission).

Allele frequency attached by ClinVar (database versions not stated): TOPMed 0.23775; gnomAD 0.25194; 1000 Genomes Project 30x 0.28748; 1000 Genomes Project 0.29014; gnomAD exomes 0.29197.
gnomAD v4.1: 428,832 of 1,494,230 alleles (29%); highest among the groups gnomAD compares: South Asian, 44%; 63,993 homozygotes.

Submission:

Unidad de Genómica Garrahan, Hospital de Pediatría Garrahan
Classification: Benign. Last evaluated: 2024-01-24. Review status: criteria provided, single submitter. Criteria: ACMG Guidelines, 2015. Collection method: clinical testing. Allele origin: germline. Affected: no. Observed: 41 variant alleles.
Comment: This variant is classified as Benign based on local population frequency. This variant was detected in 43% of patients studied by a panel of primary immunodeficiencies. Number of patients: 41. Only high quality variants are reported.